The following is an entry in ClinVar:

NM_001330078.2(NRXN1):c.549G>A (p.Trp183Ter)

Gene: NRXN1 (neurexin 1; minus strand). Cytogenetic location: 2p16.3.
Variant type: single nucleotide variant.
Coding change: c.549G>A on transcript NM_001330078.2 (MANE Select); coding-DNA position 549, G replaced by A.
Protein change: p.Trp183Ter; replaces tryptophan 183 with a stop codon.
Molecular consequence: nonsense.
Genome position (GRCh38, 1-based): chr2:51,027,725, C>T on the plus strand (G>A on the coding strand, the complement: NRXN1 is on the minus strand). VCF-style: chr2-51027725-C-T. GRCh37 (hg19) VCF-style: chr2-51254863-C-T.
Other names: c.549G>A, p.Trp183Ter (NM_001135659.3, NM_001330077.2, NM_001330079.2 and 15 more transcripts); short protein forms W183*.
Identifiers: ClinVar variation 1331643 (VCV001331643.4), dbSNP rs1416806597, ClinGen allele CA346823780.

ClinVar aggregate classification (germline): Uncertain significance (1 of 4 stars; one submission).

Submission:

Greenwood Genetic Center Diagnostic Laboratories, Greenwood Genetic Center
Classification: Uncertain significance. Last evaluated: 2021-01-12. Review status: criteria provided, single submitter. Criteria: ACMG Guidelines, 2015. Collection method: clinical testing. Allele origin: germline. Affected: yes.
Comment: PM2